The following is an entry in ClinVar:

ClinVar aggregate classification (germline): Uncertain significance (1 of 4 stars; one submission).

Conditions:
Tuberous sclerosis 2 (TSC2). Identifiers: Orphanet 805, MedGen C1860707, MONDO:0013199, OMIM 613254.

Submission:

Labcorp Genetics (formerly Invitae), Labcorp
Classification: Uncertain significance for Tuberous sclerosis 2. Last evaluated: 2026-01-09. Review status: criteria provided, single submitter. Criteria: Invitae Variant Classification Sherloc (09022015). Collection method: clinical testing. Allele origin: germline.
Comment: This sequence change replaces proline, which is neutral and non-polar, with threonine, which is neutral and polar, at codon 1092 of the TSC2 protein (p.Pro1092Thr). This variant is not present in population databases (gnomAD no frequency). This variant has not been reported in the literature in individuals affected with TSC2-related conditions. Invitae Evidence Modeling of protein sequence and biophysical properties (such as structural, functional, and spatial information, amino acid conservation, physicochemical variation, residue mobility, and thermodynamic stability) indicates that this missense variant is not expected to disrupt TSC2 protein function with a negative predictive value of 95%. In summary, the available evidence is currently insufficient to determine the role of this variant in disease. Therefore, it has been classified as a Variant of Uncertain Significance.

NM_000548.5(TSC2):c.3274C>A (p.Pro1092Thr)

Gene: TSC2 (TSC complex subunit 2; plus strand). Cytogenetic location: 16p13.3.
Variant type: single nucleotide variant.
Coding change: c.3274C>A on transcript NM_000548.5 (MANE Select); coding-DNA position 3274, C replaced by A.
Protein change: p.Pro1092Thr; replaces proline 1092 with threonine.
Molecular consequence: missense variant. On other transcripts: non-coding transcript variant (5).
Genome position (GRCh38, 1-based): chr16:2,079,418, C>A. VCF-style: chr16-2079418-C-A. GRCh37 (hg19) VCF-style: chr16-2129419-C-A.
Other names: c.1798C>A, p.Pro600Thr (NM_001406695.1, NM_001406696.1, NM_001406697.1 and 1 more transcripts); c.1540C>A, p.Pro514Thr (NM_001406698.1); c.3145C>A, p.Pro1049Thr (NM_021055.3, NM_001363528.2, NM_001370405.1); c.1801C>A, p.Pro601Thr (NM_001406693.1, NM_001406694.1, NM_001406690.1 and 1 more transcripts); c.3142C>A, p.Pro1048Thr (NM_001077183.3, NM_001370404.1, NM_001406665.1); c.3274C>A, p.Pro1092Thr (NM_001114382.3); c.3034C>A, p.Pro1012Thr (NM_001318827.2); c.2998C>A, p.Pro1000Thr (NM_001318829.2); and 18 more; short protein forms P1000T, P1011T, P1044T, P1048T, P1079T, P644T, P891T, P999T.
Identifiers: ClinVar variation 4736705 (VCV004736705.1).